The following is an entry in ClinVar:

NM_001317778.2(SFTPC):c.10G>A (p.Gly4Ser)

Gene: SFTPC (surfactant protein C; plus strand). Cytogenetic location: 8p21.3.
Variant type: single nucleotide variant.
Coding change: c.10G>A on transcript NM_001317778.2 (MANE Select); coding-DNA position 10, G replaced by A.
Protein change: p.Gly4Ser; replaces glycine 4 with serine.
Molecular consequence: missense variant.
Genome position (GRCh38, 1-based): chr8:22,161,838, G>A. VCF-style: chr8-22161838-G-A. GRCh37 (hg19) VCF-style: chr8-22019351-G-A.
Other names: c.10G>A, p.Gly4Ser (NM_001172357.2, NM_001172410.2, NM_001317779.2 and 2 more transcripts); short protein forms G4S.
Identifiers: ClinVar variation 972679 (VCV000972679.3), dbSNP rs201896861, ClinGen allele CA4663850.

ClinVar aggregate classification (germline): Uncertain significance. Review status: criteria provided, multiple submitters, no conflicts (2 of 4 stars). 2 submissions from 2 submitters: Uncertain significance (2). Last evaluated 2025-08-15.

Conditions:
Surfactant metabolism dysfunction, pulmonary, 1. Also called: INTERSTITIAL LUNG DISEASE DUE TO SURFACTANT PROTEIN B DEFICIENCY; INTERSTITIAL LUNG DISEASE, NONSPECIFIC, DUE TO SURFACTANT PROTEIN B DEFICIENCY; Pulmonary surfactant protein B, deficiency of; PULMONARY ALVEOLAR PROTEINOSIS, CONGENITAL, 1; Neonatal acute respiratory distress due to SP-B deficiency. Identifiers: Orphanet 217563, MedGen C1968602, MONDO:0009929, OMIM 265120.

Allele frequency attached by ClinVar (database versions not stated): ExAC 0.00006; gnomAD exomes 0.00004; gnomAD 0.00003; TOPMed 0.00007.

Submissions (2):

Labcorp Genetics (formerly Invitae), Labcorp
Classification: Uncertain significance. Last evaluated: 2025-08-15. Review status: criteria provided, single submitter. Criteria: Invitae Variant Classification Sherloc (09022015). Collection method: clinical testing. Allele origin: germline.
Comment: This sequence change replaces glycine, which is neutral and non-polar, with serine, which is neutral and polar, at codon 4 of the SFTPC protein (p.Gly4Ser). This variant is present in population databases (rs201896861, gnomAD 0.01%). This variant has not been reported in the literature in individuals affected with SFTPC-related conditions. ClinVar contains an entry for this variant (Variation ID: 972679). An algorithm developed to predict the effect of missense changes on protein structure and function outputs the following: PolyPhen-2: "Benign". The serine amino acid residue is found in multiple mammalian species, which suggests that this missense change does not adversely affect protein function. In summary, the available evidence is currently insufficient to determine the role of this variant in disease. Therefore, it has been classified as a Variant of Uncertain Significance.

MVZ Martinsried, Medicover Genetics
Classification: Uncertain significance for Surfactant metabolism dysfunction, pulmonary, 1. Last evaluated: 2019-06-28. Review status: criteria provided, single submitter. Criteria: ACMG Guidelines, 2015. Collection method: clinical testing. Allele origin: unknown. Affected: yes.